The following is an entry in ClinVar:

NM_007315.4(STAT1):c.489_497del (p.Glu164_Leu166del)

Gene: STAT1 (signal transducer and activator of transcription 1; minus strand). Cytogenetic location: 2q32.2.
Variant type: Deletion.
Coding change: c.489_497del on transcript NM_007315.4 (MANE Select); coding-DNA positions 489 to 497, 9 bases deleted (GGAAGATTT; older notation c.489_497delGGAAGATTT).
Protein change: p.Glu164_Leu166del.
Molecular consequence: inframe deletion.
Genome position (GRCh38, 1-based): chr2:190,999,670-190,999,678, AAATCTTCC deleted on the plus strand (GGAAGATTT on the coding strand, the reverse complement: STAT1 is on the minus strand); deleting any 9 consecutive bases within chr2:190,999,670-190,999,679 gives the same sequence; the c. name uses the placement nearest the transcript's 3' end. VCF-style (leftmost placement, unchanged base first): chr2-190999669-TAAATCTTCC-T. GRCh37 (hg19) VCF-style: chr2-191864395-TAAATCTTCC-T.
Other names: c.489_497del, p.Glu164_Leu166del (NM_001384880.1, NM_001384882.1, NM_001384885.1 and 5 more transcripts); c.495_503del, p.Glu166_Leu168del (NM_001384881.1, NM_001384884.1); c.482_490del, p.Trp161_Ile163del (NM_001384883.1); c.399_407del, p.Glu134_Leu136del (NM_001384890.1); c.525_533del, p.Glu176_Leu178del (NM_001384891.1).
Identifiers: ClinVar variation 1517691 (VCV001517691.6), dbSNP rs2125075101, ClinGen allele CA2573134275.

ClinVar aggregate classification (germline): Uncertain significance (1 of 4 stars; one submission).

Conditions:
Immunodeficiency 31B. Also called: IMMUNODEFICIENCY 31B, MYCOBACTERIAL AND VIRAL INFECTIONS, AUTOSOMAL RECESSIVE; STAT1 DEFICIENCY, AUTOSOMAL RECESSIVE. Identifiers: Orphanet 391311, MedGen C3151088, MONDO:0013427, OMIM 613796.
Autoimmune enteropathy and endocrinopathy - susceptibility to chronic infections syndrome. Also called: Immunodeficiency 31C; Immunodeficiency 31C, autosomal dominant. Identifiers: Orphanet 391487, MedGen C3279990, MONDO:0013599, OMIM 614162.
Mendelian susceptibility to mycobacterial diseases due to partial STAT1 deficiency. Also called: IMMUNODEFICIENCY 31A, MYCOBACTERIOSIS, AUTOSOMAL DOMINANT; STAT1 DEFICIENCY, AUTOSOMAL DOMINANT; Immunodeficiency 31a. Identifiers: Orphanet 319595, MedGen C4013950, MONDO:0013956, OMIM 614892.

Submission:

Labcorp Genetics (formerly Invitae), Labcorp
Classification: Uncertain significance for Mendelian susceptibility to mycobacterial diseases due to partial STAT1 deficiency; Immunodeficiency 31B; Autoimmune enteropathy and endocrinopathy - susceptibility to chronic infections syndrome. Last evaluated: 2022-11-01. Review status: criteria provided, single submitter. Criteria: Invitae Variant Classification Sherloc (09022015). Collection method: clinical testing. Allele origin: germline.
Comment: This variant has not been reported in the literature in individuals affected with STAT1-related conditions. ClinVar contains an entry for this variant (Variation ID: 1517691). Experimental studies and prediction algorithms are not available or were not evaluated, and the functional significance of this variant is currently unknown. In summary, the available evidence is currently insufficient to determine the role of this variant in disease. Therefore, it has been classified as a Variant of Uncertain Significance. This variant is not present in population databases (gnomAD no frequency). This variant, c.489_497del, results in the deletion of 3 amino acid(s) of the STAT1 protein (p.Glu164_Leu166del), but otherwise preserves the integrity of the reading frame.